The following is an entry in ClinVar:

ClinVar aggregate classification (germline): Likely benign (1 of 4 stars; one submission).

Allele frequency attached by ClinVar (database versions not stated): gnomAD exomes below 0.00001.
gnomAD v4.1: 1 of 1,535,760 alleles (0.000065%); no homozygotes.

Submission:

CeGaT Center for Human Genetics Tuebingen
Classification: Likely benign. Last evaluated: 2022-07-01. Review status: criteria provided, single submitter. Criteria: CeGaT Center For Human Genetics Tuebingen Variant Classification Criteria Version 2. Collection method: clinical testing. Allele origin: germline. Affected: yes. Observed: 1 variant allele.
Comment: P3R3URF: BP4, BP7; P3R3URF-PIK3R3: BP4, BP7

NM_001328655.2(P3R3URF):c.60C>T (p.Arg20=)

Genes: P3R3URF-PIK3R3 (P3R3URF-PIK3R3 readthrough; minus strand), TSPAN1 (tetraspanin 1; plus strand), P3R3URF (PIK3R3 upstream open reading frame; minus strand). Cytogenetic location: 1p34.1.
Variant type: single nucleotide variant.
Coding change: c.60C>T on transcript NM_001328655.2 (MANE Select); coding-DNA position 60, C replaced by T.
Protein change: p.Arg20=; no amino-acid change (arginine 20 retained).
Molecular consequence: synonymous variant. On other transcripts: intron variant (1).
Genome position (GRCh38, 1-based): chr1:46,176,412, G>A on the plus strand (C>T on the coding strand, the complement: P3R3URF is on the minus strand). VCF-style: chr1-46176412-G-A. GRCh37 (hg19) VCF-style: chr1-46642084-G-A.
Other names: c.60C>T, p.Arg20= (NM_001303427.2); c.-142+1003G>A (NM_005727.4).
Identifiers: ClinVar variation 2638795 (VCV002638795.24), dbSNP rs1478963643, ClinGen allele CA417716839.